The following is an entry in ClinVar:

NM_005228.5(EGFR):c.1047C>G (p.Leu349=)

Genes: EGFR (epidermal growth factor receptor; plus strand), LOC126860048 (P300/CBP strongly-dependent group 1 enhancer GRCh37_chr7:55223847-55225046; plus strand). Cytogenetic location: 7p11.2.
Variant type: single nucleotide variant.
Coding change: c.1047C>G on transcript NM_005228.5 (MANE Select); coding-DNA position 1047, C replaced by G.
Protein change: p.Leu349=; no amino-acid change (leucine 349 retained).
Molecular consequence: synonymous variant.
Genome position (GRCh38, 1-based): chr7:55,156,573, C>G. VCF-style: chr7-55156573-C-G. GRCh37 (hg19) VCF-style: chr7-55224266-C-G.
Other names: c.912C>G, p.Leu304= (NM_001346897.2, NM_001346899.2); c.1047C>G, p.Leu349= (NM_001346898.2, NM_201282.2, NM_201283.2 and 1 more transcripts); c.888C>G, p.Leu296= (NM_001346900.2); c.246C>G, p.Leu82= (NM_001346941.2); c.1047C>G (NM_005228.4, NM_005228.3).
Identifiers: ClinVar variation 1164620 (VCV001164620.12), dbSNP rs759932677, ClinGen allele CA4265467.

ClinVar aggregate classification (germline): Benign/Likely benign. Review status: criteria provided, multiple submitters, no conflicts (2 of 4 stars). 3 submissions from 3 submitters: Benign (1); Likely benign (1). 1 of the submissions does not count toward it. Last evaluated 2025-12-01.

Conditions:
EGFR-related lung cancer (EGFR). Identifiers: MedGen CN130014.
EGFR-related disorder. Also called: EGFR-related condition.
Hereditary cancer-predisposing syndrome. Also called: Hereditary Cancer Syndrome; Hereditary neoplastic syndrome; Neoplastic Syndromes, Hereditary; Tumor predisposition. Identifiers: Orphanet 140162, MedGen C0027672, MeSH D009386, MONDO:0015356.

Allele frequency attached by ClinVar (database versions not stated): gnomAD 0.00005; gnomAD exomes 0.00005 and 0.00013; TOPMed 0.00006; ExAC 0.00010.
gnomAD v4.1: 87 of 1,614,246 alleles (0.0054%); highest among the groups gnomAD compares: Admixed American, 0.022%; 1 homozygote.

Submissions (3):

Labcorp Genetics (formerly Invitae), Labcorp
Classification: Benign for EGFR-related lung cancer. Last evaluated: 2025-12-01. Review status: criteria provided, single submitter. Criteria: Invitae Variant Classification Sherloc (09022015). Collection method: clinical testing. Allele origin: germline.

Ambry Genetics
Classification: Likely benign for Hereditary cancer-predisposing syndrome. Last evaluated: 2024-08-21. Review status: criteria provided, single submitter. Criteria: Ambry Variant Classification Scheme 2023. Collection method: clinical testing. Allele origin: germline.

PreventionGenetics, part of Exact Sciences
Classification: Likely benign for EGFR-related condition. Last evaluated: 2024-01-16. Review status: no assertion criteria provided. Collection method: clinical testing. Allele origin: germline. Not counted in ClinVar's aggregate classification.
Comment: This variant is classified as likely benign based on ACMG/AMP sequence variant interpretation guidelines (Richards et al. 2015 PMID: 25741868, with internal and published modifications).